The following is an entry in ClinVar:

NM_007327.4(GRIN1):c.1483A>C (p.Lys495Gln)

Gene: GRIN1 (glutamate ionotropic receptor NMDA type subunit 1; plus strand). Cytogenetic location: 9q34.3.
Variant type: single nucleotide variant.
Coding change: c.1483A>C on transcript NM_007327.4 (MANE Select); coding-DNA position 1483, A replaced by C.
Protein change: p.Lys495Gln; replaces lysine 495 with glutamine.
Molecular consequence: missense variant.
Genome position (GRCh38, 1-based): chr9:137,161,939, A>C. VCF-style: chr9-137161939-A-C. GRCh37 (hg19) VCF-style: chr9-140056391-A-C.
Other names: c.1483A>C, p.Lys495Gln (NM_000832.7, NM_021569.4); c.1546A>C, p.Lys516Gln (NM_001185090.2, NM_001185091.2); short protein forms K495Q, K516Q.
Identifiers: ClinVar variation 1723091 (VCV001723091.2), dbSNP rs1833574504, ClinGen allele CA375717050.

ClinVar aggregate classification (germline): Uncertain significance (1 of 4 stars; one submission).

Submission:

GeneDx
Classification: Uncertain significance. Last evaluated: 2022-05-03. Review status: criteria provided, single submitter. Criteria: GeneDx Variant Classification Process June 2021. Collection method: clinical testing. Allele origin: germline. Affected: yes.
Comment: Not observed at significant frequency in large population cohorts (gnomAD); In silico analysis supports that this missense variant does not alter protein structure/function; Has not been previously published as pathogenic or benign to our knowledge